The following is an entry in ClinVar:

NM_014423.4(AFF4):c.2450G>A (p.Gly817Glu)

Gene: AFF4 (ALF transcription elongation factor 4; minus strand). Cytogenetic location: 5q31.1.
Variant type: single nucleotide variant.
Coding change: c.2450G>A on transcript NM_014423.4 (MANE Select); coding-DNA position 2450, G replaced by A.
Protein change: p.Gly817Glu; replaces glycine 817 with glutamic acid.
Molecular consequence: missense variant.
Genome position (GRCh38, 1-based): chr5:132,892,351, C>T on the plus strand (G>A on the coding strand, the complement: AFF4 is on the minus strand). VCF-style: chr5-132892351-C-T. GRCh37 (hg19) VCF-style: chr5-132228043-C-T.
Other names: short protein forms G817E.
Identifiers: ClinVar variation 4774543 (VCV004774543.1).

ClinVar aggregate classification (germline): Uncertain significance (1 of 4 stars; one submission).

Conditions:
Cognitive impairment - coarse facies - heart defects - obesity - pulmonary involvement - short stature - skeletal dysplasia syndrome. Also called: COGNITIVE IMPAIRMENT, COARSE FACIES, HEART DEFECTS, OBESITY, PULMONARY INVOLVEMENT, SHORT STATURE, AND SKELETAL DYSPLASIA; Chops syndrome; AFF4-Related CHOPS Syndrome. Identifiers: Orphanet 444077, MedGen C4085597, MONDO:0014609, OMIM 616368.

Submission:

Labcorp Genetics (formerly Invitae), Labcorp
Classification: Uncertain significance for Cognitive impairment - coarse facies - heart defects - obesity - pulmonary involvement - short stature - skeletal dysplasia syndrome. Last evaluated: 2025-12-24. Review status: criteria provided, single submitter. Criteria: Invitae Variant Classification Sherloc (09022015). Collection method: clinical testing. Allele origin: germline.
Comment: This sequence change replaces glycine, which is neutral and non-polar, with glutamic acid, which is acidic and polar, at codon 817 of the AFF4 protein (p.Gly817Glu). This variant is not present in population databases (gnomAD no frequency). This variant has not been reported in the literature in individuals affected with AFF4-related conditions. Invitae Evidence Modeling of protein sequence and biophysical properties (such as structural, functional, and spatial information, amino acid conservation, physicochemical variation, residue mobility, and thermodynamic stability) indicates that this missense variant is not expected to disrupt AFF4 protein function with a negative predictive value of 80%. In summary, the available evidence is currently insufficient to determine the role of this variant in disease. Therefore, it has been classified as a Variant of Uncertain Significance.